The following is an entry in ClinVar:

NM_000297.4(PKD2):c.1890del (p.Glu631fs)

Gene: PKD2 (polycystin 2, transient receptor potential cation channel; plus strand). Cytogenetic location: 4q22.1.
Variant type: Deletion.
Coding change: c.1890del on transcript NM_000297.4 (MANE Select); coding-DNA position 1890, one base deleted (A; older notation c.1890delA).
Protein change: p.Glu631fs; shifts the reading frame from glutamic acid 631.
Molecular consequence: frameshift variant. On other transcripts: non-coding transcript variant (1).
Genome position (GRCh38, 1-based): chr4:88,056,259, A deleted; the last of 2 consecutive A bases (chr4:88,056,258-88,056,259); deleting either gives the same sequence. VCF-style (leftmost placement, unchanged base first): chr4-88056257-CA-C. GRCh37 (hg19) VCF-style: chr4-88977409-CA-C.
Other names: short protein forms E631fs.
Identifiers: ClinVar variation 3382978 (VCV003382978.2).

ClinVar aggregate classification (germline): Pathogenic (1 of 4 stars; one submission).

Conditions:
Polycystic kidney disease 2 (PKD2). Also called: POLYCYSTIC KIDNEY DISEASE, ADULT, TYPE II; Polycystic Kidney Disease 2, Autosomal Dominant; POLYCYSTIC KIDNEY DISEASE 2 WITH OR WITHOUT POLYCYSTIC LIVER DISEASE. Identifiers: MedGen C2751306, MONDO:0013131, OMIM 613095.

Submission:

Juno Genomics, Hangzhou Juno Genomics, Inc
Classification: Pathogenic for Polycystic kidney disease 2. Review status: criteria provided, single submitter. Criteria: ACMG Guidelines, 2015. Collection method: clinical testing. Allele origin: germline. Affected: yes.
Comment: Null variant in a gene where loss of function (LOF) is a known mechanism of disease.;Absent from controls (or at extremely low frequency if recessive) in Genome Aggregation Database, Exome Sequencing Project, 1000 Genomes Project, or Exome Aggregation Consortium.;Patient's phenotype or family history is highly specific for a disease with a single genetic etiology.